The following is an entry in ClinVar:

NM_000377.3(WAS):c.396C>T (p.Asp132=)

Gene: WAS (WASP actin nucleation promoting factor; plus strand). Cytogenetic location: Xp11.23.
Variant type: single nucleotide variant.
Coding change: c.396C>T on transcript NM_000377.3 (MANE Select); coding-DNA position 396, C replaced by T.
Protein change: p.Asp132=; no amino-acid change (aspartic acid 132 retained).
Molecular consequence: synonymous variant.
Genome position (GRCh38, 1-based): chrX:48,685,769, C>T. VCF-style: chrX-48685769-C-T. GRCh37 (hg19) VCF-style: chrX-48544158-C-T.
Other names: p.Asp132=.
Identifiers: ClinVar variation 2930605 (VCV002930605.4), dbSNP rs1400887989, ClinGen allele CA516356138.

ClinVar aggregate classification (germline): Likely benign. Review status: criteria provided, multiple submitters, no conflicts (2 of 4 stars). 2 submissions from 2 submitters: Likely benign (2). Last evaluated 2025-08-13.

Conditions:
Wiskott-Aldrich syndrome (WAS). Also called: ALDRICH SYNDROME; IMMUNODEFICIENCY 2; WISKOTT-ALDRICH SYNDROME 1; Wiskott-aldrich syndrome, somatic. Identifiers: Orphanet 906, MedGen C0043194, MONDO:0010518, OMIM 301000.
X-linked severe congenital neutropenia (SCNX). Identifiers: Orphanet 86788, MedGen C1845987, MONDO:0010294, OMIM 300299.
Thrombocytopenia 1. Also called: X-linked thrombocytopenia with normal platelets; X-Linked Thrombocytopenia (XLT); THROMBOCYTOPENIA, X-LINKED, 1. Identifiers: Orphanet 268322, Orphanet 852, MedGen C1839163, MONDO:0010743, OMIM 313900.

Allele frequency attached by ClinVar (database versions not stated): TOPMed below 0.00001; gnomAD 0.00001; gnomAD exomes 0.00001.
gnomAD v4.1: 8 of 1,181,129 alleles (0.00068%); highest among the groups gnomAD compares: Admixed American, 0.0049%; no homozygotes.

Submissions (2):

Mayo Clinic Laboratories, Mayo Clinic
Classification: Likely benign. Last evaluated: 2025-08-13. Review status: criteria provided, single submitter. Criteria: ACMG Guidelines, 2015. Collection method: clinical testing. Allele origin: germline. Observed: 1 variant allele.
Comment: BP4, BP7

Labcorp Genetics (formerly Invitae), Labcorp
Classification: Likely benign for Wiskott-Aldrich syndrome; X-linked severe congenital neutropenia; Thrombocytopenia 1. Last evaluated: 2024-03-01. Review status: criteria provided, single submitter. Criteria: Invitae Variant Classification Sherloc (09022015). Collection method: clinical testing. Allele origin: germline.